The following is an entry in ClinVar:

NM_001193315.2(VIPAS39):c.488G>A (p.Arg163His)

Gene: VIPAS39 (VPS33B interacting protein, apical-basolateral polarity regulator, spe-39 homolog; minus strand). Cytogenetic location: 14q24.3.
Variant type: single nucleotide variant.
Coding change: c.488G>A on transcript NM_001193315.2 (MANE Select); coding-DNA position 488, G replaced by A.
Protein change: p.Arg163His; replaces arginine 163 with histidine.
Molecular consequence: missense variant. On other transcripts: non-coding transcript variant (1).
Genome position (GRCh38, 1-based): chr14:77,448,510, C>T on the plus strand (G>A on the coding strand, the complement: VIPAS39 is on the minus strand). VCF-style: chr14-77448510-C-T. GRCh37 (hg19) VCF-style: chr14-77914853-C-T.
Other names: p.Arg163His; c.488G>A, p.Arg163His (NM_001193314.2, NM_001193317.2, NM_001400326.1 and 11 more transcripts); c.341G>A, p.Arg114His (NM_001193316.2, NM_001400324.1, NM_001400325.1 and 1 more transcripts); c.488G>A (NM_001193314.1); short protein forms R114H, R163H.
Identifiers: ClinVar variation 3030722 (VCV003030722.7), dbSNP rs78246426, ClinGen allele CA7288079.

ClinVar aggregate classification (germline): Conflicting classifications of pathogenicity. Review status: criteria provided, conflicting classifications (1 of 4 stars). 4 submissions from 4 submitters: Uncertain significance (1); Likely benign (2). 1 of the submissions does not count toward it. Last evaluated 2025-02-23.

Conditions:
VIPAS39-related disorder. Also called: VIPAS39-related condition.
Inborn genetic diseases. Identifiers: MedGen C0950123, MeSH D030342.

Allele frequency attached by ClinVar (database versions not stated): TOPMed 0.00005; ESP Exome Variant Server 0.00008; gnomAD 0.00011; gnomAD exomes 0.00015; ExAC 0.00020; 1000 Genomes Project 30x 0.00047; 1000 Genomes Project 0.00060.

Submissions (4):

Ambry Genetics
Classification: Uncertain significance for Inborn genetic diseases. Last evaluated: 2025-02-23. Review status: criteria provided, single submitter. Criteria: Ambry Variant Classification Scheme 2023. Collection method: clinical testing. Allele origin: germline.

Mayo Clinic Laboratories, Mayo Clinic
Classification: Likely benign. Last evaluated: 2025-01-21. Review status: criteria provided, single submitter. Criteria: ACMG Guidelines, 2015. Collection method: clinical testing. Allele origin: germline. Observed: 2 variant alleles.
Comment: BS1

Labcorp Genetics (formerly Invitae), Labcorp
Classification: Likely benign. Last evaluated: 2024-12-07. Review status: criteria provided, single submitter. Criteria: Invitae Variant Classification Sherloc (09022015). Collection method: clinical testing. Allele origin: germline.

PreventionGenetics, part of Exact Sciences
Classification: Likely benign for VIPAS39-related condition. Last evaluated: 2023-06-12. Review status: no assertion criteria provided. Collection method: clinical testing. Allele origin: germline. Not counted in ClinVar's aggregate classification.
Comment: This variant is classified as likely benign based on ACMG/AMP sequence variant interpretation guidelines (Richards et al. 2015 PMID: 25741868, with internal and published modifications).